The following is an entry in ClinVar:

ClinVar aggregate classification (germline): Uncertain significance. Review status: criteria provided, multiple submitters, no conflicts (2 of 4 stars). 3 submissions from 3 submitters: Uncertain significance (3). Last evaluated 2025-10-29.

Conditions:
Renal tubular dysgenesis of genetic origin. Also called: PRIMITIVE RENAL TUBULE SYNDROME. Identifiers: Orphanet 97369, MedGen C5681536, MONDO:0009970, OMIM 267430.
Familial juvenile hyperuricemic nephropathy type 2 (ADTKD4). Also called: EARLY-ONSET HYPERURICEMIA, ANEMIA, AND PROGRESSIVE KIDNEY FAILURE; Autosomal Dominant Tubulointerstitial Kidney Disease – REN. Identifiers: Orphanet 217330, MedGen C2751310, MONDO:0013128, OMIM 613092.
Inborn genetic diseases. Identifiers: MedGen C0950123, MeSH D030342.

Allele frequency attached by ClinVar (database versions not stated): gnomAD 0.00007; 1000 Genomes Project 30x 0.00016; 1000 Genomes Project 0.00040; ExAC 0.00003; gnomAD exomes 0.00004; TOPMed 0.00005.
gnomAD v4.1: 70 of 1,613,982 alleles (0.0043%); highest among the groups gnomAD compares: South Asian, 0.013%; no homozygotes.

Submissions (3):

Ambry Genetics
Classification: Uncertain significance for Inborn genetic diseases. Last evaluated: 2025-10-29. Review status: criteria provided, single submitter. Criteria: Ambry Variant Classification Scheme 2023. Collection method: clinical testing. Allele origin: germline.

Fulgent Genetics
Classification: Uncertain significance for Renal tubular dysgenesis of genetic origin; Familial juvenile hyperuricemic nephropathy type 2. Last evaluated: 2024-05-29. Review status: criteria provided, single submitter. Criteria: ACMG Guidelines, 2015. Collection method: clinical testing. Allele origin: germline.

Labcorp Genetics (formerly Invitae), Labcorp
Classification: Uncertain significance. Last evaluated: 2022-03-04. Review status: criteria provided, single submitter. Criteria: Invitae Variant Classification Sherloc (09022015). Collection method: clinical testing. Allele origin: germline.
Comment: This variant is present in population databases (rs547448871, gnomAD 0.007%). This variant has not been reported in the literature in individuals affected with REN-related conditions. Algorithms developed to predict the effect of missense changes on protein structure and function are either unavailable or do not agree on the potential impact of this missense change (SIFT: "Deleterious"; PolyPhen-2: "Possibly Damaging"; Align-GVGD: "Class C0"). In summary, the available evidence is currently insufficient to determine the role of this variant in disease. Therefore, it has been classified as a Variant of Uncertain Significance. This sequence change replaces threonine, which is neutral and polar, with methionine, which is neutral and non-polar, at codon 344 of the REN protein (p.Thr344Met).

NM_000537.4(REN):c.1031C>T (p.Thr344Met)

Gene: REN (renin; minus strand). Cytogenetic location: 1q32.1.
Variant type: single nucleotide variant.
Coding change: c.1031C>T on transcript NM_000537.4 (MANE Select); coding-DNA position 1031, C replaced by T.
Protein change: p.Thr344Met; replaces threonine 344 with methionine.
Molecular consequence: missense variant.
Genome position (GRCh38, 1-based): chr1:204,155,848, G>A on the plus strand (C>T on the coding strand, the complement: REN is on the minus strand). VCF-style: chr1-204155848-G-A. GRCh37 (hg19) VCF-style: chr1-204124976-G-A.
Other names: c.1031C>T (NM_000537.3); short protein forms T344M.
Identifiers: ClinVar variation 2198216 (VCV002198216.7), dbSNP rs547448871, ClinGen allele CA1344686.